The following is an entry in ClinVar:

ClinVar aggregate classification (germline): Uncertain significance (1 of 4 stars; one submission).

Submission:

Ambry Genetics
Classification: Uncertain significance. Last evaluated: 2021-08-17. Review status: criteria provided, single submitter. Criteria: Ambry Variant Classification Scheme 2023. Collection method: clinical testing. Allele origin: germline.
Comment: The p.G104S variant (also known as c.310G>A), located in coding exon 2 of the IDH1 gene, results from a G to A substitution at nucleotide position 310. The glycine at codon 104 is replaced by serine, an amino acid with similar properties. This amino acid position is conserved. In addition, this alteration is predicted to be deleterious by in silico analysis. Since supporting evidence is limited at this time, the clinical significance of this alteration remains unclear.

NM_005896.4(IDH1):c.310G>A (p.Gly104Ser)

Gene: IDH1 (isocitrate dehydrogenase (NADP(+)) 1; minus strand). Cytogenetic location: 2q34.
Variant type: single nucleotide variant.
Coding change: c.310G>A on transcript NM_005896.4 (MANE Select); coding-DNA position 310, G replaced by A.
Protein change: p.Gly104Ser; replaces glycine 104 with serine.
Molecular consequence: missense variant.
Genome position (GRCh38, 1-based): chr2:208,248,473, C>T on the plus strand (G>A on the coding strand, the complement: IDH1 is on the minus strand). VCF-style: chr2-208248473-C-T. GRCh37 (hg19) VCF-style: chr2-209113197-C-T.
Other names: c.310G>A, p.Gly104Ser (NM_001282386.1, NM_001282387.1); short protein forms G104S.
Identifiers: ClinVar variation 1727734 (VCV001727734.2), dbSNP rs2124863088, ClinGen allele CA350101509.